The following is an entry in ClinVar:

NM_017886.4(ULK4):c.1710A>C (p.Leu570Phe)

Gene: ULK4 (unc-51 like kinase 4; minus strand). Cytogenetic location: 3p22.1.
Variant type: single nucleotide variant.
Coding change: c.1710A>C on transcript NM_017886.4 (MANE Select); coding-DNA position 1710, A replaced by C.
Protein change: p.Leu570Phe; replaces leucine 570 with phenylalanine.
Molecular consequence: missense variant. On other transcripts: non-coding transcript variant (1).
Genome position (GRCh38, 1-based): chr3:41,835,918, T>G on the plus strand (A>C on the coding strand, the complement: ULK4 is on the minus strand). VCF-style: chr3-41835918-T-G. GRCh37 (hg19) VCF-style: chr3-41877410-T-G.
Other names: c.1710A>C, p.Leu570Phe (NM_001322500.2); c.804A>C, p.Leu268Phe (NM_001322501.2); short protein forms L268F, L570F.
Identifiers: ClinVar variation 3387891 (VCV003387891.14).

ClinVar aggregate classification (germline): Likely benign (1 of 4 stars; one submission).

gnomAD v4.1: 5,502 of 1,613,622 alleles (0.34%); highest among the groups gnomAD compares: Non-Finnish European, 0.43%; 12 homozygotes.

Submission:

CeGaT Center for Human Genetics Tuebingen
Classification: Likely benign. Last evaluated: 2024-11-01. Review status: criteria provided, single submitter. Criteria: CeGaT Center For Human Genetics Tuebingen Variant Classification Criteria Version 2. Collection method: clinical testing. Allele origin: germline. Affected: yes. Observed: 1 variant allele.
Comment: ULK4: BS2